The following is an entry in ClinVar:

ClinVar aggregate classification (germline): Uncertain significance (1 of 4 stars; one submission).

Allele frequency attached by ClinVar (database versions not stated): TOPMed below 0.00001.

Submission:

Labcorp Genetics (formerly Invitae), Labcorp
Classification: Uncertain significance. Last evaluated: 2022-05-08. Review status: criteria provided, single submitter. Criteria: Invitae Variant Classification Sherloc (09022015). Collection method: clinical testing. Allele origin: germline.
Comment: Algorithms developed to predict the effect of sequence changes on RNA splicing suggest that this variant may create or strengthen a splice site. Algorithms developed to predict the effect of missense changes on protein structure and function output the following: SIFT: "Deleterious"; PolyPhen-2: "Benign"; Align-GVGD: "Class C35". The aspartic acid amino acid residue is found in multiple mammalian species, which suggests that this missense change does not adversely affect protein function. This variant has not been reported in the literature in individuals affected with IRF9-related conditions. This variant is not present in population databases (gnomAD no frequency). This sequence change replaces glutamic acid, which is acidic and polar, with aspartic acid, which is acidic and polar, at codon 141 of the IRF9 protein (p.Glu141Asp). In summary, the available evidence is currently insufficient to determine the role of this variant in disease. Therefore, it has been classified as a Variant of Uncertain Significance.

NM_006084.5(IRF9):c.423G>T (p.Glu141Asp)

Gene: IRF9 (interferon regulatory factor 9; plus strand). Cytogenetic location: 14q12.
Variant type: single nucleotide variant.
Coding change: c.423G>T on transcript NM_006084.5 (MANE Select); coding-DNA position 423, G replaced by T.
Protein change: p.Glu141Asp; replaces glutamic acid 141 with aspartic acid.
Molecular consequence: missense variant.
Genome position (GRCh38, 1-based): chr14:24,163,436, G>T. VCF-style: chr14-24163436-G-T. GRCh37 (hg19) VCF-style: chr14-24632645-G-T.
Other names: c.423G>T, p.Glu141Asp (NM_001385400.1, NM_001385401.1, NM_001385402.1); short protein forms E141D.
Identifiers: ClinVar variation 1949344 (VCV001949344.5), dbSNP rs2038484350, ClinGen allele CA389203661.
Genomic context (GRCh38, chr14:24,163,436, plus strand): 5'-AGGCCAGCCAGGGACTCAGAAAGTACCATCAAAGCGACAGCACAGTTCTGTGTCCTCTGA[G>T]AGGAAGGAGGAAGAGGATGCCATGCAGAACTGCACACTCAGTCCCTCTGTGCTCCAGGAC-3'
Protein context (NP_006075.3, residues 131-151): SKRQHSSVSS[Glu141Asp]RKEEEDAMQN